The following is an entry in ClinVar:

ClinVar aggregate classification (germline): Uncertain significance (1 of 4 stars; one submission).

Submission:

Mayo Clinic Laboratories, Mayo Clinic
Classification: Uncertain significance. Last evaluated: 2025-03-17. Review status: criteria provided, single submitter. Criteria: ACMG Guidelines, 2015. Collection method: clinical testing. Allele origin: germline. Observed: 1 variant allele.
Comment: PP3, PM2_supporting

NM_213599.3(ANO5):c.883T>C (p.Tyr295His)

Gene: ANO5 (anoctamin 5; plus strand). Cytogenetic location: 11p14.3.
Variant type: single nucleotide variant.
Coding change: c.883T>C on transcript NM_213599.3 (MANE Select); coding-DNA position 883, T replaced by C.
Protein change: p.Tyr295His; replaces tyrosine 295 with histidine.
Molecular consequence: missense variant.
Genome position (GRCh38, 1-based): chr11:22,250,241, T>C. VCF-style: chr11-22250241-T-C. GRCh37 (hg19) VCF-style: chr11-22271787-T-C.
Other names: p.Tyr295His; c.802T>C, p.Tyr268His (NM_001441295.1); c.790T>C, p.Tyr264His (NM_001441296.1, NM_001441302.1); c.763T>C, p.Tyr255His (NM_001441297.1); c.727T>C, p.Tyr243His (NM_001441298.1); c.724T>C, p.Tyr242His (NM_001441299.1); c.841T>C, p.Tyr281His (NM_001441300.1, NM_001410963.1); c.838T>C, p.Tyr280His (NM_001441301.1, NM_001410964.1); and 2 more; short protein forms Y280H, Y294H, Y243H, Y268H, Y255H, Y264H, Y295H, Y242H.
Identifiers: ClinVar variation 4541610 (VCV004541610.1).